The following is an entry in ClinVar:

NM_015506.3(MMACHC):c.548T>C (p.Val183Ala)

Gene: MMACHC (metabolism of cobalamin associated C; plus strand). Cytogenetic location: 1p34.1.
Variant type: single nucleotide variant.
Coding change: c.548T>C on transcript NM_015506.3 (MANE Select); coding-DNA position 548, T replaced by C.
Protein change: p.Val183Ala; replaces valine 183 with alanine.
Molecular consequence: missense variant.
Genome position (GRCh38, 1-based): chr1:45,508,914, T>C. VCF-style: chr1-45508914-T-C. GRCh37 (hg19) VCF-style: chr1-45974586-T-C.
Other names: c.377T>C, p.Val126Ala (NM_001330540.2); short protein forms V183A, V126A.
Identifiers: ClinVar variation 582087 (VCV000582087.12), dbSNP rs780926592, ClinGen allele CA827786.

ClinVar aggregate classification (germline): Uncertain significance. Review status: criteria provided, multiple submitters, no conflicts (2 of 4 stars). 6 submissions from 6 submitters: Uncertain significance (5). 1 of the submissions does not count toward it. Last evaluated 2025-03-03.

Conditions:
Inborn genetic diseases. Identifiers: MedGen C0950123, MeSH D030342.
Cobalamin C disease. Also called: methylmalonic aciduria and homocystinuria type cblC; Methylmalonic aciduria and homocystinuria, Vitamin B12-responsive; Vitamin B12 metabolic defect with combined deficiency of methylmalonyl-CoA mutase and homocysteine:methyltetrahydrofolate methyltransferase; Methylmalonic aciduria with homocystinuria cblC type; Cobalamin-C methylmalonic acidemia and homocystinuria; Methylmalonic acidemia and homocystinuria cblC type. Identifiers: Orphanet 26, Orphanet 79282, MedGen C1848561, MONDO:0010184, OMIM 277400.

Allele frequency attached by ClinVar (database versions not stated): gnomAD 0.00001; TOPMed 0.00001; gnomAD exomes 0.00003 and 0.00012; ExAC 0.00007.
gnomAD v4.1: 37 of 1,614,064 alleles (0.0023%); highest among the groups gnomAD compares: Admixed American, 0.05%; no homozygotes.

Submissions (6):

Ambry Genetics
Classification: Uncertain significance for Inborn genetic diseases. Last evaluated: 2025-03-03. Review status: criteria provided, single submitter. Criteria: Ambry Variant Classification Scheme 2023. Collection method: clinical testing. Allele origin: germline.

Labcorp Genetics (formerly Invitae), Labcorp
Classification: Uncertain significance for Cobalamin C disease. Last evaluated: 2023-12-30. Review status: criteria provided, single submitter. Criteria: Invitae Variant Classification Sherloc (09022015). Collection method: clinical testing. Allele origin: germline.
Comment: This sequence change replaces valine, which is neutral and non-polar, with alanine, which is neutral and non-polar, at codon 183 of the MMACHC protein (p.Val183Ala). This variant is present in population databases (rs780926592, gnomAD 0.07%). This variant has not been reported in the literature in individuals affected with MMACHC-related conditions. ClinVar contains an entry for this variant (Variation ID: 582087). Advanced modeling of protein sequence and biophysical properties (such as structural, functional, and spatial information, amino acid conservation, physicochemical variation, residue mobility, and thermodynamic stability) has been performed at Invitae for this missense variant, however the output from this modeling did not meet the statistical confidence thresholds required to predict the impact of this variant on MMACHC protein function. In summary, the available evidence is currently insufficient to determine the role of this variant in disease. Therefore, it has been classified as a Variant of Uncertain Significance.

Genome-Nilou Lab
Classification: Uncertain significance for Cobalamin C disease. Last evaluated: 2023-04-11. Review status: criteria provided, single submitter. Criteria: ACMG Guidelines, 2015. Collection method: clinical testing. Allele origin: germline. Affected: no.

GeneDx
Classification: Uncertain significance. Last evaluated: 2022-04-07. Review status: criteria provided, single submitter. Criteria: GeneDx Variant Classification Process June 2021. Collection method: clinical testing. Allele origin: germline. Affected: yes.
Comment: In silico analysis supports that this missense variant has a deleterious effect on protein structure/function; Has not been previously published as pathogenic or benign to our knowledge

Fulgent Genetics
Classification: Uncertain significance for Cobalamin C disease. Last evaluated: 2022-03-12. Review status: criteria provided, single submitter. Criteria: ACMG Guidelines, 2015. Collection method: clinical testing. Allele origin: unknown.

Natera, Inc.
Classification: Uncertain significance for Methylmalonic aciduria with homocystinuria cblC type. Last evaluated: 2020-01-17. Review status: no assertion criteria provided. Collection method: clinical testing. Allele origin: germline. Not counted in ClinVar's aggregate classification.